The following is an entry in ClinVar:

NM_014927.5(CNKSR2):c.1447A>G (p.Met483Val)

Gene: CNKSR2 (connector enhancer of kinase suppressor of Ras 2; plus strand). Cytogenetic location: Xp22.12.
Variant type: single nucleotide variant.
Coding change: c.1447A>G on transcript NM_014927.5 (MANE Select); coding-DNA position 1447, A replaced by G.
Protein change: p.Met483Val; replaces methionine 483 with valine.
Molecular consequence: missense variant.
Genome position (GRCh38, 1-based): chrX:21,563,291, A>G. VCF-style: chrX-21563291-A-G. GRCh37 (hg19) VCF-style: chrX-21581409-A-G.
Other names: c.1357A>G, p.Met453Val (NM_001168647.3, NM_001330773.2); c.1447A>G, p.Met483Val (NM_001168648.3); c.1300A>G, p.Met434Val (NM_001168649.3, NM_001330770.2); c.1210A>G, p.Met404Val (NM_001330771.2, NM_001330772.2); short protein forms M453V, M483V, M404V, M434V.
Identifiers: ClinVar variation 1030443 (VCV001030443.1), dbSNP rs2092208925, ClinGen allele CA412552737.

ClinVar aggregate classification (germline): Uncertain significance (1 of 4 stars; one submission).

Conditions:
Intellectual developmental disorder, X-linked, syndromic, Houge type. Also called: MENTAL RETARDATION, X-LINKED, SYNDROMIC, HOUGE TYPE; Intellectual disability, X-linked, syndromic, Houge type. Identifiers: MedGen C4538788, MONDO:0030909, OMIM 301008.

Submission:

Baylor Genetics
Classification: Uncertain significance for Intellectual developmental disorder, X-linked, syndromic, Houge type. Last evaluated: 2019-11-08. Review status: criteria provided, single submitter. Criteria: ACMG Guidelines, 2015. Collection method: clinical testing. Allele origin: unknown. Affected: yes.
Comment: This variant was determined to be of uncertain significance according to ACMG Guidelines, 2015 [PMID:25741868].